The following is an entry in ClinVar:

NM_006231.4(POLE):c.4005G>A (p.Gln1335=)

Gene: POLE (DNA polymerase epsilon, catalytic subunit; minus strand). Cytogenetic location: 12q24.33.
Variant type: single nucleotide variant.
Coding change: c.4005G>A on transcript NM_006231.4 (MANE Select); coding-DNA position 4005, G replaced by A.
Protein change: p.Gln1335=; no amino-acid change (glutamine 1335 retained).
Molecular consequence: synonymous variant.
Genome position (GRCh38, 1-based): chr12:132,649,306, C>T on the plus strand (G>A on the coding strand, the complement: POLE is on the minus strand). VCF-style: chr12-132649306-C-T. GRCh37 (hg19) VCF-style: chr12-133225892-C-T.
Identifiers: ClinVar variation 1039267 (VCV001039267.6), dbSNP rs2042361443, ClinGen allele CA482849177.
Genomic context (GRCh38, chr12:132,649,306, plus strand): 5'-ACACCCCCTCCCTGGGCCATCAGCAGAGCCACTGCCCTCCCCTTGGATCAAGGTCTATAC[C>T]TGCACAATCTGCCACGGAAGGTCCAGGATGCTGCGGGCAGTTCTTCGCAAGAAGCTCCCC-3'
Protein context (NP_006222.2, residues 1325-1345): SILDLPWQIV[Gln1335=]ISETSQAGLF

ClinVar aggregate classification (germline): Uncertain significance (1 of 4 stars; one submission).

Submission:

Labcorp Genetics (formerly Invitae), Labcorp
Classification: Uncertain significance. Last evaluated: 2020-03-09. Review status: criteria provided, single submitter. Criteria: Invitae Variant Classification Sherloc (09022015). Collection method: clinical testing. Allele origin: germline.
Comment: In summary, the available evidence is currently insufficient to determine the role of this variant in disease. Therefore, it has been classified as a Variant of Uncertain Significance. Nucleotide substitutions within the consensus splice site are a relatively common cause of aberrant splicing (PMID: 17576681, 9536098). Algorithms developed to predict the effect of sequence changes on RNA splicing suggest that this variant may disrupt the consensus splice site, but this prediction has not been confirmed by published transcriptional studies. This variant has not been reported in the literature in individuals with POLE-related conditions. This variant is not present in population databases (ExAC no frequency). This sequence change affects codon 1335 of the POLE mRNA. It is a 'silent' change, meaning that it does not change the encoded amino acid sequence of the POLE protein. This variant also falls at the last nucleotide of exon 31 of the POLE coding sequence, which is part of the consensus splice site for this exon.

Literature cited by the submitters: PubMed 17576681; PubMed 9536098.